The following is an entry in ClinVar:

ClinVar aggregate classification (germline): Likely benign (0 of 4 stars; one submission).

Conditions:
LMAN1-related disorder. Also called: LMAN1-related condition.

Submission:

PreventionGenetics, part of Exact Sciences
Classification: Likely benign for LMAN1-related condition. Last evaluated: 2019-03-20. Review status: no assertion criteria provided. Collection method: clinical testing. Allele origin: germline.
Comment: This variant is classified as likely benign based on ACMG/AMP sequence variant interpretation guidelines (Richards et al. 2015 PMID: 25741868, with internal and published modifications).

NM_005570.4(LMAN1):c.764-11_764-10dup

Gene: LMAN1 (lectin, mannose binding 1; minus strand). Cytogenetic location: 18q21.32.
Variant type: Duplication.
Coding change: c.764-11_764-10dup on transcript NM_005570.4 (MANE Select); 11 bases into the intron before coding-DNA position 764 through 10 bases into the intron before coding-DNA position 764, 2 bases duplicated (TT; older notation c.764-11_764-10dupTT).
Molecular consequence: intron variant.
Genome position (GRCh38, 1-based): chr18:59,347,581-59,347,582, AA duplicated on the plus strand (TT on the coding strand, the reverse complement: LMAN1 is on the minus strand); duplicating any 2 consecutive bases within chr18:59,347,581-59,347,592 gives the same sequence; the c. name uses the placement nearest the transcript's 3' end. VCF-style (leftmost placement, unchanged base first): chr18-59347580-T-TAA. GRCh37 (hg19) VCF-style: chr18-57014812-T-TAA.
Identifiers: ClinVar variation 3048044 (VCV003048044.2), dbSNP rs367567750, ClinGen allele CA8979845.